The following is an entry in ClinVar:

NM_000062.3(SERPING1):c.995T>G (p.Val332Gly)

Gene: SERPING1 (serpin family G member 1; plus strand). Cytogenetic location: 11q12.1.
Variant type: single nucleotide variant.
Coding change: c.995T>G on transcript NM_000062.3 (MANE Select); coding-DNA position 995, T replaced by G.
Protein change: p.Val332Gly; replaces valine 332 with glycine.
Molecular consequence: missense variant.
Genome position (GRCh38, 1-based): chr11:57,606,513, T>G. VCF-style: chr11-57606513-T-G. GRCh37 (hg19) VCF-style: chr11-57373986-T-G.
Other names: c.995T>G, p.Val332Gly (NM_001032295.2); short protein forms V332G.
Identifiers: ClinVar variation 3338009 (VCV003338009.2).

ClinVar aggregate classification (germline): Likely pathogenic (1 of 4 stars; one submission).

Conditions:
Hereditary angioedema type 1 (HAE1). Identifiers: Orphanet 100050, Orphanet 100051, Orphanet 91378, MedGen C2717906, MONDO:0015053, OMIM 106100.

Submission:

DNA-diagnostics Laboratory, Research Centre For Medical Genetics
Classification: Likely pathogenic for Hereditary angioedema type 1. Last evaluated: 2024-08-16. Review status: criteria provided, single submitter. Criteria: ACMG Guidelines, 2015. Collection method: research. Allele origin: germline. Inheritance: Autosomal dominant inheritance. Affected: yes. Observed: 2 variant alleles, 2 heterozygotes.
Comment: The pathogenic or likely pathogenic SERPING1 gene variants are detected in >90% of the HAE1/2 families and in >80% of the total HAE families (e.g., DOI: 10.1016/j.molimm.2008.05.007, 10.1159/2F000138883, 10.1016/j.molimm.2011.07.010). Such in silico algorithms as BayesDel, MutPred, REVEL support a deleterious effect of the c.995T>G variant with Supporting evidence of pathogenicity, when choosing at least two identical assessments and using the threshold ranges from ClinGen recommendations (DOI: 10.1016/j.ajhg.2022.10.013). This variant has not been reported in a large population database and wasn`t present in 1/2910 individuals from control cohort (the general population from Russian Federation). According to our observation the c.995T>G variant in SERPING1 meets ACMG/ClinGen SVI guidance criteria to be classified as likely pathogenic: PP4_Str, PM2_Sup, PP1, PP2, PP3